The following is an entry in ClinVar:

NM_001148.6(ANK2):c.9869C>T (p.Ala3290Val)

Gene: ANK2 (ankyrin 2; plus strand). Cytogenetic location: 4q26.
Variant type: single nucleotide variant.
Coding change: c.9869C>T on transcript NM_001148.6 (MANE Select); coding-DNA position 9869, C replaced by T.
Protein change: p.Ala3290Val; replaces alanine 3290 with valine.
Molecular consequence: missense variant. On other transcripts: intron variant (68).
Genome position (GRCh38, 1-based): chr4:113,358,487, C>T. VCF-style: chr4-113358487-C-T. GRCh37 (hg19) VCF-style: chr4-114279643-C-T.
Other names: c.9635C>T, p.Ala3212Val (NM_001386142.1); c.6269C>T, p.Ala2090Val (NM_001386166.1); c.10010C>T, p.Ala3337Val (NM_001386174.1); c.9986C>T, p.Ala3329Val (NM_001386175.1); c.4412-2336C>T (NM_001386186.2, NM_001386148.2); c.4214-2336C>T (NM_001354269.3); c.4292-2336C>T (NM_001386187.2); c.4253-2336C>T (NM_001386147.1); and 35 more; short protein forms A3290V, A2090V, A3212V, A3329V, A3337V.
Identifiers: ClinVar variation 389986 (VCV000389986.2), dbSNP rs1057523607, ClinGen allele CA16604675.

ClinVar aggregate classification (germline): Uncertain significance (1 of 4 stars; one submission).

Allele frequency attached by ClinVar (database versions not stated): gnomAD exomes below 0.00001.
gnomAD v4.1: 1 of 1,614,116 alleles (0.000062%); highest among the groups gnomAD compares: Non-Finnish European, 0.000085%; no homozygotes.

Submission:

GeneDx
Classification: Uncertain significance. Last evaluated: 2016-10-14. Review status: criteria provided, single submitter. Criteria: GeneDx Variant Classification (06012015). Collection method: clinical testing. Allele origin: germline. Affected: yes.
Comment: A variant of uncertain significance has been identified in the ANK2 gene. The A3290V variant has not been published as a pathogenic variant, nor has it been reported as a benign variant to our knowledge. The A3290V variant was not observed in approximately 6,500 individuals of European and African American ancestry in the NHLBI Exome Sequencing Project, indicating it is not a common benign variant in these populations. However, the A3290V variant is a conservative amino acid substitution, which is not likely to impact secondary protein structure as these residues share similar properties. This substitution occurs at a position that is not conserved across species. Finally, in silico analysis is inconsistent in its predictions as to whether or not the variant is damaging to the protein structure/function.Therefore, based on the currently available information, it is unclear whether this variant is pathogenic or rare benign.